The following is an entry in ClinVar:

NM_206933.4(USH2A):c.14663C>T (p.Thr4888Met)

Gene: USH2A (usherin; minus strand). Cytogenetic location: 1q41.
Variant type: single nucleotide variant.
Coding change: c.14663C>T on transcript NM_206933.4 (MANE Select); coding-DNA position 14663, C replaced by T.
Protein change: p.Thr4888Met; replaces threonine 4888 with methionine.
Molecular consequence: missense variant.
Genome position (GRCh38, 1-based): chr1:215,647,650, G>A on the plus strand (C>T on the coding strand, the complement: USH2A is on the minus strand). VCF-style: chr1-215647650-G-A. GRCh37 (hg19) VCF-style: chr1-215820992-G-A.
Other names: c.14663C>T (NM_206933.2); short protein forms T4888M.
Identifiers: ClinVar variation 2182568 (VCV002182568.4), dbSNP rs201726258, ClinGen allele CA37389237.

ClinVar aggregate classification (germline): Conflicting classifications of pathogenicity. Review status: criteria provided, conflicting classifications (1 of 4 stars). 4 submissions from 4 submitters: Uncertain significance (3); Likely benign (1). Last evaluated 2025-01-18.

Conditions:
Inborn genetic diseases. Identifiers: MedGen C0950123, MeSH D030342.
Retinal dystrophy. Also called: Inherited retinal dystrophy. Identifiers: Orphanet 71862, MedGen C0854723, MeSH D058499, MONDO:0019118, HP:0000556.

Allele frequency attached by ClinVar (database versions not stated): TOPMed 0.00002; gnomAD 0.00003; 1000 Genomes Project 30x 0.00016; 1000 Genomes Project 0.00020.
gnomAD v4.1: 39 of 1,614,162 alleles (0.0024%); highest among the groups gnomAD compares: East Asian, 0.016%; no homozygotes.

Submissions (4):

Ambry Genetics
Classification: Likely benign for Inborn genetic diseases. Last evaluated: 2025-01-18. Review status: criteria provided, single submitter. Criteria: Ambry Variant Classification Scheme 2023. Collection method: clinical testing. Allele origin: germline.

Dept Of Ophthalmology, Nagoya University
Classification: Uncertain significance for Retinal dystrophy. Last evaluated: 2023-10-01. Review status: criteria provided, single submitter. Criteria: Submitter's publication. Collection method: research. Allele origin: germline. Affected: yes.

Labcorp Genetics (formerly Invitae), Labcorp
Classification: Uncertain significance. Last evaluated: 2022-10-11. Review status: criteria provided, single submitter. Criteria: Invitae Variant Classification Sherloc (09022015). Collection method: clinical testing. Allele origin: germline.
Comment: This sequence change replaces threonine, which is neutral and polar, with methionine, which is neutral and non-polar, at codon 4888 of the USH2A protein (p.Thr4888Met). This variant is present in population databases (rs201726258, gnomAD 0.007%). This variant has not been reported in the literature in individuals affected with USH2A-related conditions. Advanced modeling of protein sequence and biophysical properties (such as structural, functional, and spatial information, amino acid conservation, physicochemical variation, residue mobility, and thermodynamic stability) performed at Invitae indicates that this missense variant is not expected to disrupt USH2A protein function. In summary, the available evidence is currently insufficient to determine the role of this variant in disease. Therefore, it has been classified as a Variant of Uncertain Significance.

Blueprint Genetics
Classification: Uncertain significance. Last evaluated: 2022-06-24. Review status: criteria provided, single submitter. Criteria: ACMG Guidelines, 2015. Collection method: clinical testing. Allele origin: germline.